The following is an entry in ClinVar:

NM_001025389.2(AMPD3):c.1717C>T (p.Arg573Cys)

Gene: AMPD3 (adenosine monophosphate deaminase 3; plus strand). Cytogenetic location: 11p15.4.
Variant type: single nucleotide variant.
Coding change: c.1717C>T on transcript NM_001025389.2 (MANE Select); coding-DNA position 1717, C replaced by T.
Protein change: p.Arg573Cys; replaces arginine 573 with cysteine.
Molecular consequence: missense variant.
Genome position (GRCh38, 1-based): chr11:10,500,245, C>T. VCF-style: chr11-10500245-C-T. GRCh37 (hg19) VCF-style: chr11-10521792-C-T.
Other names: c.1744C>T, p.Arg582Cys (NM_000480.3); c.1738C>T, p.Arg580Cys (NM_001025390.2); c.1717C>T, p.Arg573Cys (NM_001172430.1); c.1240C>T, p.Arg414Cys (NM_001172431.2); short protein forms R573C, R582C, R580C, R414C.
Identifiers: ClinVar variation 18270 (VCV000018270.7), dbSNP rs3741040, ClinGen allele CA128020.

ClinVar aggregate classification (germline): Pathogenic. Review status: criteria provided, single submitter (1 of 4 stars). 3 submissions from 3 submitters: Pathogenic (1). 2 of the submissions do not count toward it. Last evaluated 2017-04-27.

Conditions:
Erythrocyte AMP deaminase deficiency. Identifiers: Orphanet 45, MedGen C2752073, OMIM 612874, MONDO:0020734.
AMPD3-related disorder. Also called: AMPD3-related condition.

Allele frequency attached by ClinVar (database versions not stated): gnomAD 0.00008 and 0.00015; TOPMed 0.00012; gnomAD exomes 0.00026 and 0.00032; ExAC 0.00030; 1000 Genomes Project 30x 0.00031; 1000 Genomes Project 0.00040.
gnomAD v4.1: 395 of 1,614,242 alleles (0.024%); highest among the groups gnomAD compares: East Asian, 0.84%; 3 homozygotes.

Submissions (3):

Illumina Laboratory Services, Illumina
Classification: Pathogenic for Erythrocyte AMP deaminase deficiency. Last evaluated: 2017-04-27. Review status: criteria provided, single submitter. Criteria: ICSL Variant Classification Criteria 09 May 2019. Collection method: clinical testing. Allele origin: germline.
Comment: The AMPD3 c.1717C>T (p.Arg573Cys) missense variant has been reported in two studies in which it is found in a total of 51 Japanese individuals with erythrocyte AMP deaminase deficiency, including in four homozygotes with a complete deficiency and in 47 heterozygotes with a partial deficiency (Yamada et al. 1994a; Yamada et al. 1994b). The variant was absent from over 2500 controls but is reported at a frequency of 0.00416 in the East Asian population of the Exome Aggregation Consortium. Functional studies by Yamada et al. (1994a) showed that the p.Arg573Cys variant results in a catalytically inactive but stable peptide. Based on the evidence the p.Arg573Cys variant is classified as pathogenic for erythrocyte AMP deaminase deficiency. This variant was observed by ICSL as part of a predisposition screen in an ostensibly healthy population.

PreventionGenetics, part of Exact Sciences
Classification: Likely pathogenic for AMPD3-related condition. Last evaluated: 2024-04-04. Review status: no assertion criteria provided. Collection method: clinical testing. Allele origin: germline. Not counted in ClinVar's aggregate classification.
Comment: The AMPD3 c.1717C>T variant is predicted to result in the amino acid substitution p.Arg573Cys. This variant has been reported to be causative for autosomal recessive adenosine monophosphate deaminase deficiency in multiple individuals, and functional studies support its pathogenicity (Yamada et al. 1994. PubMed ID: 8004104; Yamada et al. 1994. PubMed ID: 7881427; Hou et al. 2020. PubMed ID: 31980526). This variant is reported in 0.42% of alleles in individuals of East Asian descent in gnomAD. This variant is interpreted as likely pathogenic.

OMIM
Classification: Affects for ERYTHROCYTE AMP DEAMINASE DEFICIENCY. Last evaluated: 1994-12-01. Review status: no assertion criteria provided. Collection method: literature only. Allele origin: germline. Not counted in ClinVar's aggregate classification.

Literature cited by the submitters: PubMed 8004104 (cited by Illumina Laboratory Services, Illumina and OMIM); PubMed 7881427 (cited by Illumina Laboratory Services, Illumina and OMIM).